The following is an entry in ClinVar:

NM_001130438.3(SPTAN1):c.7031A>G (p.Lys2344Arg)

Gene: SPTAN1 (spectrin alpha, non-erythrocytic 1; plus strand). Cytogenetic location: 9q34.11.
Variant type: single nucleotide variant.
Coding change: c.7031A>G on transcript NM_001130438.3 (MANE Select); coding-DNA position 7031, A replaced by G.
Protein change: p.Lys2344Arg; replaces lysine 2344 with arginine.
Molecular consequence: missense variant.
Genome position (GRCh38, 1-based): chr9:128,632,589, A>G. VCF-style: chr9-128632589-A-G. GRCh37 (hg19) VCF-style: chr9-131394868-A-G.
Other names: c.6956A>G, p.Lys2319Arg (NM_001195532.2); c.7094A>G, p.Lys2365Arg (NM_001363759.2); c.6971A>G, p.Lys2324Arg (NM_001363765.2, NM_001375314.2); c.7118A>G, p.Lys2373Arg (NM_001375310.1); c.7031A>G, p.Lys2344Arg (NM_001375311.2); c.7067A>G, p.Lys2356Arg (NM_001375312.2); c.7013A>G, p.Lys2338Arg (NM_001375313.1); c.7130A>G, p.Lys2377Arg (NM_001375318.1); and 1 more; short protein forms K2344R, K2319R, K2339R, K2365R, K2373R, K2377R, K2324R, K2338R.
Identifiers: ClinVar variation 2692478 (VCV002692478.1), dbSNP rs2542390673, ClinGen allele CA375100204.

ClinVar aggregate classification (germline): Uncertain significance (1 of 4 stars; one submission).

Submission:

Greenwood Genetic Center Diagnostic Laboratories, Greenwood Genetic Center
Classification: Uncertain significance. Last evaluated: 2023-11-28. Review status: criteria provided, single submitter. Criteria: ACMG Guidelines, 2015. Collection method: clinical testing. Allele origin: germline. Affected: yes.
Comment: PM2, BP4, PP2